The following is an entry in ClinVar:

NM_144499.3(GNAT1):c.796A>G (p.Lys266Glu)

Gene: GNAT1 (G protein subunit alpha transducin 1; plus strand). Cytogenetic location: 3p21.31.
Variant type: single nucleotide variant.
Coding change: c.796A>G on transcript NM_144499.3 (MANE Select); coding-DNA position 796, A replaced by G.
Protein change: p.Lys266Glu; replaces lysine 266 with glutamic acid.
Molecular consequence: missense variant.
Genome position (GRCh38, 1-based): chr3:50,194,588, A>G. VCF-style: chr3-50194588-A-G. GRCh37 (hg19) VCF-style: chr3-50232021-A-G.
Other names: c.796A>G, p.Lys266Glu (NM_000172.4); short protein forms K266E.
Identifiers: ClinVar variation 4741064 (VCV004741064.1).

ClinVar aggregate classification (germline): Uncertain significance (1 of 4 stars; one submission).

Submission:

Labcorp Genetics (formerly Invitae), Labcorp
Classification: Uncertain significance. Last evaluated: 2025-12-01. Review status: criteria provided, single submitter. Criteria: Invitae Variant Classification Sherloc (09022015). Collection method: clinical testing. Allele origin: germline.
Comment: This sequence change replaces lysine, which is basic and polar, with glutamic acid, which is acidic and polar, at codon 266 of the GNAT1 protein (p.Lys266Glu). This variant is not present in population databases (gnomAD no frequency). This variant has not been reported in the literature in individuals affected with GNAT1-related conditions. Invitae Evidence Modeling of protein sequence and biophysical properties (such as structural, functional, and spatial information, amino acid conservation, physicochemical variation, residue mobility, and thermodynamic stability) indicates that this missense variant is expected to disrupt GNAT1 protein function with a positive predictive value of 80%. In summary, the available evidence is currently insufficient to determine the role of this variant in disease. Therefore, it has been classified as a Variant of Uncertain Significance.